The following is an entry in ClinVar:

NM_001690.4(ATP6V1A):c.1015G>T (p.Asp339Tyr)

Gene: ATP6V1A (ATPase H+ transporting V1 subunit A; plus strand). Cytogenetic location: 3q13.31.
Variant type: single nucleotide variant.
Coding change: c.1015G>T on transcript NM_001690.4 (MANE Select); coding-DNA position 1015, G replaced by T.
Protein change: p.Asp339Tyr; replaces aspartic acid 339 with tyrosine.
Molecular consequence: missense variant.
Genome position (GRCh38, 1-based): chr3:113,794,898, G>T. VCF-style: chr3-113794898-G-T. GRCh37 (hg19) VCF-style: chr3-113513745-G-T.
Other names: short protein forms D339Y.
Identifiers: ClinVar variation 2014198 (VCV002014198.4), dbSNP rs2549723887, ClinGen allele CA354017550.

ClinVar aggregate classification (germline): Uncertain significance (1 of 4 stars; one submission).

Submission:

Labcorp Genetics (formerly Invitae), Labcorp
Classification: Uncertain significance. Last evaluated: 2022-07-05. Review status: criteria provided, single submitter. Criteria: Invitae Variant Classification Sherloc (09022015). Collection method: clinical testing. Allele origin: germline.
Comment: In summary, the available evidence is currently insufficient to determine the role of this variant in disease. Therefore, it has been classified as a Variant of Uncertain Significance. Algorithms developed to predict the effect of missense changes on protein structure and function (SIFT, PolyPhen-2, Align-GVGD) all suggest that this variant is likely to be disruptive. This variant has not been reported in the literature in individuals affected with ATP6V1A-related conditions. This variant is not present in population databases (gnomAD no frequency). This sequence change replaces aspartic acid, which is acidic and polar, with tyrosine, which is neutral and polar, at codon 339 of the ATP6V1A protein (p.Asp339Tyr).